The following is an entry in ClinVar:

ClinVar aggregate classification (germline): Uncertain significance (1 of 4 stars; one submission).

Allele frequency attached by ClinVar (database versions not stated): gnomAD exomes below 0.00001; gnomAD 0.00001.
gnomAD v4.1: 3 of 1,612,046 alleles (0.00019%); highest among the groups gnomAD compares: Admixed American, 0.005%; no homozygotes.

Submission:

Labcorp Genetics (formerly Invitae), Labcorp
Classification: Uncertain significance. Last evaluated: 2023-06-16. Review status: criteria provided, single submitter. Criteria: Invitae Variant Classification Sherloc (09022015). Collection method: clinical testing. Allele origin: germline.
Comment: This variant is present in population databases (no rsID available, gnomAD 0.009%). In summary, the available evidence is currently insufficient to determine the role of this variant in disease. Therefore, it has been classified as a Variant of Uncertain Significance. Advanced modeling of protein sequence and biophysical properties (such as structural, functional, and spatial information, amino acid conservation, physicochemical variation, residue mobility, and thermodynamic stability) performed at Invitae indicates that this missense variant is not expected to disrupt DGAT1 protein function. This variant has not been reported in the literature in individuals affected with DGAT1-related conditions. This sequence change replaces glutamic acid, which is acidic and polar, with glutamine, which is neutral and polar, at codon 161 of the DGAT1 protein (p.Glu161Gln).

NM_012079.6(DGAT1):c.481G>C (p.Glu161Gln)

Gene: DGAT1 (diacylglycerol O-acyltransferase 1; minus strand). Cytogenetic location: 8q24.3.
Variant type: single nucleotide variant.
Coding change: c.481G>C on transcript NM_012079.6 (MANE Select); coding-DNA position 481, G replaced by C.
Protein change: p.Glu161Gln; replaces glutamic acid 161 with glutamine.
Molecular consequence: missense variant.
Genome position (GRCh38, 1-based): chr8:144,318,554, C>G on the plus strand (G>C on the coding strand, the complement: DGAT1 is on the minus strand). VCF-style: chr8-144318554-C-G. GRCh37 (hg19) VCF-style: chr8-145542217-C-G.
Other names: short protein forms E161Q.
Identifiers: ClinVar variation 3020280 (VCV003020280.1), dbSNP rs1554847656, ClinGen allele CA372612503.